The following is an entry in ClinVar:

ClinVar aggregate classification (germline): Pathogenic. Review status: reviewed by expert panel (3 of 4 stars). 2 submissions from 2 submitters: Pathogenic (1). 1 of the submissions does not count toward it. Last evaluated 2016-09-08.

Conditions:
Hereditary breast ovarian cancer syndrome. Also called: Hereditary breast and ovarian cancer; Breast and ovarian cancer; Hereditary breast and/or ovarian cancer syndrome; BRCA1- and BRCA2-Associated Hereditary Breast and Ovarian Cancer; Hereditary breast and ovarian cancer syndrome; Hereditary breast and ovarian cancer syndrome (HBOC). Identifiers: Orphanet 145, MedGen C0677776, MeSH D061325, MONDO:0003582. Disease mechanism: loss of function.
Breast-ovarian cancer, familial, susceptibility to, 2 (BROVCA2). Also called: BRCA2 Hereditary Breast and Ovarian Cancer. Identifiers: Orphanet 145, MedGen C2675520, MONDO:0012933, OMIM 612555. Disease mechanism: loss of function.

Submissions (2):

Evidence-based Network for the Interpretation of Germline Mutant Alleles (ENIGMA)
Classification: Pathogenic for Breast-ovarian cancer, familial, susceptibility to, 2. Last evaluated: 2016-09-08. Review status: reviewed by expert panel. Criteria: ENIGMA BRCA1/2 Classification Criteria (2015). Collection method: curation. Allele origin: germline.
Comment: Variant allele predicted to encode a truncated non-functional protein.

Labcorp Genetics (formerly Invitae), Labcorp
Classification: Pathogenic for Hereditary breast ovarian cancer syndrome. Last evaluated: 2025-10-13. Review status: criteria provided, single submitter. Criteria: Invitae Variant Classification Sherloc (09022015). Collection method: clinical testing. Allele origin: germline. Not counted in ClinVar's aggregate classification.
Comment: This sequence change creates a premature translational stop signal (p.Leu2362Ilefs*2) in the BRCA2 gene. It is expected to result in an absent or disrupted protein product. Loss-of-function variants in BRCA2 are known to be pathogenic (PMID: 20104584). This variant is not present in population databases (gnomAD no frequency). This variant has not been reported in the literature in individuals affected with BRCA2-related conditions. ClinVar contains an entry for this variant (Variation ID: 254596). For these reasons, this variant has been classified as Pathogenic.

Literature cited by the submitters: PubMed 20104584 (cited by Labcorp Genetics (formerly Invitae), Labcorp).

NM_000059.4(BRCA2):c.7083_7092del (p.Leu2362fs)

Gene: BRCA2 (BRCA2 DNA repair associated; plus strand). Cytogenetic location: 13q13.1.
Variant type: Deletion.
Coding change: c.7083_7092del on transcript NM_000059.4 (MANE Select); coding-DNA positions 7083 to 7092, 10 bases deleted (TTTGTATGAA; older notation c.7083_7092delTTTGTATGAA).
Protein change: p.Leu2362fs; shifts the reading frame from leucine 2362.
Molecular consequence: frameshift variant.
Genome position (GRCh38, 1-based): chr13:32,354,936-32,354,945, TTTGTATGAA deleted; deleting any 10 consecutive bases within chr13:32,354,935-32,354,945 gives the same sequence; the c. name uses the placement nearest the transcript's 3' end. VCF-style (leftmost placement, unchanged base first): chr13-32354934-CATTTGTATGA-C. GRCh37 (hg19) VCF-style: chr13-32929071-CATTTGTATGA-C.
Other names: c.7083_7092delTTTGTATGAA (NM_000059.3); short protein forms L2362fs.
Identifiers: ClinVar variation 254596 (VCV000254596.3), dbSNP rs886038160, ClinGen allele CA10586568.
Genomic context (GRCh38, chr13:32,354,934, plus strand): 5'-CGTCAAGAGATACAGAATCCAAATTTTACCGCACCTGGTCAAGAATTTCTGTCTAAATCT[CATTTGTATGA>C]ACATCTGACTTTGGAAAAATCTTCAAGCAATTTAGCAGTTTCAGGACATCCATTTTATCA-3'